The following is an entry in ClinVar:

ClinVar aggregate classification (germline): Uncertain significance (1 of 4 stars; one submission).

Submission:

Labcorp Genetics (formerly Invitae), Labcorp
Classification: Uncertain significance. Last evaluated: 2023-07-10. Review status: criteria provided, single submitter. Criteria: Invitae Variant Classification Sherloc (09022015). Collection method: clinical testing. Allele origin: germline.
Comment: This sequence change replaces lysine, which is basic and polar, with threonine, which is neutral and polar, at codon 296 of the PISD protein (p.Lys296Thr). This variant is not present in population databases (gnomAD no frequency). This variant has not been reported in the literature in individuals affected with PISD-related conditions. ClinVar contains an entry for this variant (Variation ID: 2023470). Advanced modeling of protein sequence and biophysical properties (such as structural, functional, and spatial information, amino acid conservation, physicochemical variation, residue mobility, and thermodynamic stability) performed at Invitae indicates that this missense variant is not expected to disrupt PISD protein function. In summary, the available evidence is currently insufficient to determine the role of this variant in disease. Therefore, it has been classified as a Variant of Uncertain Significance.

NM_001326411.2(PISD):c.887A>C (p.Lys296Thr)

Gene: PISD (phosphatidylserine decarboxylase; minus strand). Cytogenetic location: 22q12.2.
Variant type: single nucleotide variant.
Coding change: c.887A>C on transcript NM_001326411.2 (MANE Select); coding-DNA position 887, A replaced by C.
Protein change: p.Lys296Thr; replaces lysine 296 with threonine.
Molecular consequence: missense variant. On other transcripts: intron variant (3).
Genome position (GRCh38, 1-based): chr22:31,620,671, T>G on the plus strand (A>C on the coding strand, the complement: PISD is on the minus strand). VCF-style: chr22-31620671-T-G. GRCh37 (hg19) VCF-style: chr22-32016657-T-G.
Other names: c.824A>C, p.Lys275Thr (NM_001326412.1, NM_001326413.2, NM_001326414.2); c.785A>C, p.Lys262Thr (NM_001326415.2, NM_001326416.2, NM_001326417.2 and 2 more transcripts); c.707A>C, p.Lys236Thr (NM_001326418.2); c.844+325A>C (NM_001326421.1); c.665-72A>C (NM_001326420.2); c.743-72A>C (NM_001326419.2); short protein forms K275T, K262T, K236T, K296T.
Identifiers: ClinVar variation 2023470 (VCV002023470.4), dbSNP rs2523151072, ClinGen allele CA411285578.